The following is an entry in ClinVar:

ClinVar aggregate classification (germline): Pathogenic/Likely pathogenic. Review status: criteria provided, multiple submitters, no conflicts (2 of 4 stars). 9 submissions from 9 submitters: Pathogenic (2); Likely pathogenic (7). Last evaluated 2026-06-22.

Conditions:
Hereditary cancer-predisposing syndrome. Also called: Tumor predisposition; Hereditary neoplastic syndrome; Hereditary Cancer Syndrome; Neoplastic Syndromes, Hereditary. Identifiers: Orphanet 140162, MedGen C0027672, MeSH D009386, MONDO:0015356.
CHEK2-related cancer predisposition (TPDS4). Also called: TUMOR PREDISPOSITION SYNDROME 4; CANCER PREDISPOSITION SYNDROME, CHEK2-RELATED; CHEK2-related cancer susceptibility. Identifiers: Orphanet 524, MedGen C5882668, MONDO:0700271, OMIM 609265.
Familial cancer of breast. Also called: Hereditary breast cancer; hereditary breast carcinoma; BREAST CANCER, FAMILIAL. Identifiers: Orphanet 227535, MedGen C0346153, MONDO:0016419, OMIM 114480. Disease mechanism: loss of function.

Allele frequency attached by ClinVar (database versions not stated): gnomAD exomes below 0.00001 and 0.00001; TOPMed below 0.00001.
gnomAD v4.1: 11 of 1,548,264 alleles (0.00071%); highest among the groups gnomAD compares: Non-Finnish European, 0.00097%; no homozygotes.

Submissions (9):

Myriad Genetics, Inc.
Classification: Likely pathogenic for Familial cancer of breast. Last evaluated: 2026-06-22. Review status: criteria provided, single submitter. Criteria: Myriad Autosomal Dominant, Autosomal Recessive and X-Linked Classification Criteria (2023). Collection method: clinical testing. Allele origin: unknown.
Comment: This variant is considered likely pathogenic. This variant occurs within a consensus splice junction and is predicted to result in abnormal mRNA splicing of either an out-of-frame exon or an in-frame exon necessary for protein stability and/or normal function.

Ambry Genetics
Classification: Likely pathogenic for Hereditary cancer-predisposing syndrome. Last evaluated: 2025-08-29. Review status: criteria provided, single submitter. Criteria: Ambry Variant Classification Scheme 2023. Collection method: clinical testing. Allele origin: germline.
Comment: The c.1462-2A>G intronic variant results from an A to G substitution two nucleotides upstream from coding exon 13 in the CHEK2 gene. This nucleotide position is highly conserved in available vertebrate species. In silico splice site analysis predicts that this alteration will weaken the native splice acceptor site and will result in the creation or strengthening of a novel splice acceptor site. Alterations that disrupt the canonical splice site are expected to cause aberrant splicing, resulting in an abnormal protein or a transcript that is subject to nonsense-mediated mRNA decay. RNA studies have demonstrated that this alteration results in abnormal splicing in the set of samples tested (Ambry internal data). Based on the majority of available evidence to date, this variant is likely to be pathogenic.

Labcorp Genetics (formerly Invitae), Labcorp
Classification: Pathogenic for Familial cancer of breast. Last evaluated: 2024-12-18. Review status: criteria provided, single submitter. Criteria: Invitae Variant Classification Sherloc (09022015). Collection method: clinical testing. Allele origin: germline.
Comment: This sequence change affects an acceptor splice site in intron 13 of the CHEK2 gene. RNA analysis indicates that disruption of this splice site induces altered splicing and may result in an absent or altered protein product. This variant is present in population databases (rs587782575, gnomAD 0.0009%). Disruption of this splice site has been observed in individual(s) with clinical features of CHEK2-related conditions (PMID: 24763289, 27751358, 30128536). ClinVar contains an entry for this variant (Variation ID: 142596). Studies have shown that disruption of this splice site results in activation of a cryptic splice site, and produces a non-functional protein and/or introduces a premature termination codon (internal data). For these reasons, this variant has been classified as Pathogenic.

Quest Diagnostics Nichols Institute San Juan Capistrano
Classification: Pathogenic. Last evaluated: 2024-07-18. Review status: criteria provided, single submitter. Criteria: Quest Diagnostics criteria. Collection method: clinical testing. Allele origin: unknown.
Comment: The CHEK2 c.1462-2A>G variant disrupts a canonical splice-acceptor site and interferes with normal CHEK2 mRNA splicing. This variant has been reported in the published literature in one individual unaffected with cancer (PMID: 31263054 (2019)), one individual with breast cancer (PMID: 30128536 (2018)), and two individuals with unspecified cancer types (PMID: 27751358 (2016)). The frequency of this variant in the general population, 0.0000043 (1/233334 chromosomes (Genome Aggregation Database)), is consistent with pathogenicity. Based on the available information, this variant is classified as pathogenic.

Color Diagnostics, LLC DBA Color Health
Classification: Likely pathogenic for Hereditary cancer-predisposing syndrome. Last evaluated: 2024-04-16. Review status: criteria provided, single submitter. Criteria: ACMG Guidelines, 2015. Collection method: clinical testing. Allele origin: germline.
Comment: This variant causes an A to G nucleotide substitution at the -2 position of intron 13 of the CHEK2 gene. Splice site prediction tools predict that this variant may have a significant impact on RNA splicing. To our knowledge, functional studies have not been reported for this variant. This variant has been observed in several individuals affected with breast cancer (PMID: 30128536, Color internal data), in an unaffected individual from a breast cancer case-control study (PMID: 31263054), and in individuals affected with bladder cancer (PMID: 36816149). This variant has been identified in 1/233334 chromosomes in the general population by the Genome Aggregation Database (gnomAD). Although functional consequence of this variant has not yet been demonstrated, observation of this rare variant and other c.1462-1G>A variant that impacts the same splice site (ClinVar variation ID: 410026) in individuals affected with CHEK2-related cancers suggest that this variant may be associated with disease. Based on the available evidence, this variant is classified as Likely Pathogenic.

CeGaT Center for Human Genetics Tuebingen
Classification: Likely pathogenic. Last evaluated: 2024-02-01. Review status: criteria provided, single submitter. Criteria: CeGaT Center For Human Genetics Tuebingen Variant Classification Criteria Version 2. Collection method: clinical testing. Allele origin: germline. Affected: yes. Observed: 1 variant allele.
Comment: CHEK2: PVS1:Strong, PM2, PS4:Supporting

Baylor Genetics
Classification: Likely pathogenic for Familial cancer of breast. Last evaluated: 2022-02-15. Review status: criteria provided, single submitter. Criteria: ACMG Guidelines, 2015. Collection method: clinical testing. Allele origin: unknown.

Sema4
Classification: Likely pathogenic for Hereditary cancer-predisposing syndrome. Last evaluated: 2020-12-23. Review status: criteria provided, single submitter. Criteria: Sema4 Curation Guidelines. Collection method: curation. Allele origin: germline.
Comment: The CHEK2 c.1462-2A>G variant has been reported in heterozygosity in at least 4 individuals with Breast cancer/Hereditary cancers (PMID: 24763289, 27751358, 30128536). This variant is predicted to abolish the canonical splice site leading to an abnormal or absent protein. This variant was observed in 1/108516 chromosomes in the Non-Finnish European population, with 0 homozygotes, according to the Genome Aggregation Database (PMID: 27535533). Based on the current evidence available, this variant is interpreted as likely pathogenic.

University Health Network, Familial Cancer Clinic, Princess Margaret Cancer Centre
Classification: Likely pathogenic for CHEK2-related cancer predisposition. Review status: criteria provided, single submitter. Criteria: ACMG Guidelines, 2015. Collection method: clinical testing. Allele origin: germline. Inheritance: Autosomal dominant inheritance. Affected: no and yes. Observed: 8 variant alleles. Clinical features observed: Melanoma (HP:0002861), Prostate cancer (HP:0012125), Urinary bladder carcinoma (HP:0002862), Ductal carcinoma in situ (HP:0030075), Pancreatic endocrine tumor (HP:0030405).

Literature cited by the submitters: PubMed 24763289 (cited by 4 submitters); PubMed 27751358 (cited by 4 submitters); PubMed 30128536 (cited by 5 submitters); PubMed 31263054 (cited by 3 submitters); PubMed 36816149 (cited by Color Diagnostics, LLC DBA Color Health).

NM_007194.4(CHEK2):c.1462-2A>G

Gene: CHEK2 (checkpoint kinase 2; minus strand). Cytogenetic location: 22q12.1.
Variant type: single nucleotide variant.
Coding change: c.1462-2A>G on transcript NM_007194.4 (MANE Select); the canonical splice acceptor site of the intron before coding-DNA position 1462, A replaced by G.
Molecular consequence: splice acceptor variant.
Genome position (GRCh38, 1-based): chr22:28,689,217, T>C on the plus strand (A>G on the coding strand, the complement: CHEK2 is on the minus strand). VCF-style: chr22-28689217-T-C. GRCh37 (hg19) VCF-style: chr22-29085205-T-C.
Other names: c.799-2A>G (NM_001437942.1, NM_001257387.3); c.1261-2A>G (NM_001349956.3); c.1375-2A>G (NM_145862.3); c.1468-2A>G (NM_001438295.1); c.1555-2A>G (NM_001438293.1); c.1504-2A>G (NM_001438294.1); c.1591-2A>G (NM_001005735.3).
Identifiers: ClinVar variation 142596 (VCV000142596.48), dbSNP rs587782575, ClinGen allele CA168786.